The following is an entry in ClinVar:

NM_153240.5(NPHP3):c.1139A>T (p.Glu380Val)

Genes: NPHP3 (nephrocystin 3; minus strand), NPHP3-ACAD11 (NPHP3-ACAD11 readthrough (NMD candidate); minus strand). Cytogenetic location: 3q22.1.
Variant type: single nucleotide variant.
Coding change: c.1139A>T on transcript NM_153240.5 (MANE Select); coding-DNA position 1139, A replaced by T.
Protein change: p.Glu380Val; replaces glutamic acid 380 with valine.
Molecular consequence: missense variant. On other transcripts: non-coding transcript variant (1).
Genome position (GRCh38, 1-based): chr3:132,708,237, T>A on the plus strand (A>T on the coding strand, the complement: NPHP3 is on the minus strand). VCF-style: chr3-132708237-T-A. GRCh37 (hg19) VCF-style: chr3-132427081-T-A.
Other names: short protein forms E380V.
Identifiers: ClinVar variation 1919161 (VCV001919161.6), dbSNP rs368626865, ClinGen allele CA83599465.
Genomic context (GRCh38, chr3:132,708,237, plus strand): 5'-TCTTCCAAACGATGAAAGATTAATCGAGGTTTTCCTTCAGGGTTTTTCAGAAAAGCTTCT[T>A]CACAGTCTTCCAATAAAAGGCTAGATTGGAAATCAGCATTTTGTGTGCTATACTGCATTG-3'
Protein context (NP_694972.3, residues 370-390): TLPSLLLEDC[Glu380Val]EAFLKNPEGK

ClinVar aggregate classification (germline): Uncertain significance. Review status: criteria provided, multiple submitters, no conflicts (2 of 4 stars). 2 submissions from 2 submitters: Uncertain significance (2). Last evaluated 2024-11-05.

Conditions:
Renal-hepatic-pancreatic dysplasia 1 (RHPD1). Identifiers: MedGen C3715199, MONDO:0008833, OMIM 208540.
NPHP3-related Meckel-like syndrome. Also called: GOLDSTON SYNDROME; Meckel syndrome type 7. Identifiers: Orphanet 3032, MedGen C2673885, MONDO:0009966, OMIM 267010.
Nephronophthisis 3 (NPHP3). Also called: Adolescent nephronophthisis. Identifiers: Orphanet 655, MedGen C1858392, MONDO:0011456, OMIM 604387.
Nephronophthisis. Also called: Juvenile Nephronophthisis. Identifiers: Orphanet 655, MedGen C0687120, MONDO:0019005, HP:0000090.

Allele frequency attached by ClinVar (database versions not stated): TOPMed 0.00001; ESP Exome Variant Server 0.00008.
gnomAD v4.1: 13 of 1,614,166 alleles (0.00081%); highest among the groups gnomAD compares: Non-Finnish European, 0.0011%; no homozygotes.

Submissions (2):

Labcorp Genetics (formerly Invitae), Labcorp
Classification: Uncertain significance for Nephronophthisis. Last evaluated: 2024-11-05. Review status: criteria provided, single submitter. Criteria: Invitae Variant Classification Sherloc (09022015). Collection method: clinical testing. Allele origin: germline.
Comment: This sequence change replaces glutamic acid, which is acidic and polar, with valine, which is neutral and non-polar, at codon 380 of the NPHP3 protein (p.Glu380Val). This variant is present in population databases (rs368626865, gnomAD 0.0009%). This variant has not been reported in the literature in individuals affected with NPHP3-related conditions. ClinVar contains an entry for this variant (Variation ID: 1919161). Invitae Evidence Modeling of protein sequence and biophysical properties (such as structural, functional, and spatial information, amino acid conservation, physicochemical variation, residue mobility, and thermodynamic stability) has been performed for this missense variant. However, the output from this modeling did not meet the statistical confidence thresholds required to predict the impact of this variant on NPHP3 protein function. Algorithms developed to predict the effect of sequence changes on RNA splicing suggest that this variant may disrupt the consensus splice site. In summary, the available evidence is currently insufficient to determine the role of this variant in disease. Therefore, it has been classified as a Variant of Uncertain Significance.

Fulgent Genetics
Classification: Uncertain significance for Renal-hepatic-pancreatic dysplasia 1; NPHP3-related Meckel-like syndrome; Nephronophthisis 3. Last evaluated: 2024-01-23. Review status: criteria provided, single submitter. Criteria: ACMG Guidelines, 2015. Collection method: clinical testing. Allele origin: germline.